The following is an entry in ClinVar:

ClinVar aggregate classification (germline): Uncertain significance (1 of 4 stars; one submission).

Conditions:
Cardiomyopathy (CMYO). Also called: Cardiomyopathies. Identifiers: Orphanet 167848, MedGen C0878544, MONDO:0004994, HP:0001638. Inheritance: Various modes of inheritance.

Submission:

Color Diagnostics, LLC DBA Color Health
Classification: Uncertain significance for Cardiomyopathy. Last evaluated: 2025-07-20. Review status: criteria provided, single submitter. Criteria: ACMG Guidelines, 2015. Collection method: clinical testing. Allele origin: germline.
Comment: This variant causes a T to C nucleotide substitution at the +4 position of intron 20/23 of the DSP gene. To our knowledge, functional studies have not been reported for this variant. This variant has not been reported in individuals affected with DSP-related disorders in the literature. This variant has not been identified in the general population by the Genome Aggregation Database (gnomAD). The available evidence is insufficient to determine the role of this variant in disease conclusively. Therefore, this variant is classified as a Variant of Uncertain Significance.

NM_004415.4(DSP):c.2877+4T>C

Gene: DSP (desmoplakin; plus strand). Cytogenetic location: 6p24.3.
Variant type: single nucleotide variant.
Coding change: c.2877+4T>C on transcript NM_004415.4 (MANE Select); 4 bases into the intron after coding-DNA position 2877, T replaced by C.
Molecular consequence: intron variant.
Genome position (GRCh38, 1-based): chr6:7,577,046, T>C. VCF-style: chr6-7577046-T-C. GRCh37 (hg19) VCF-style: chr6-7577279-T-C.
Other names: c.2877+4T>C (NM_001319034.2, NM_001008844.3).
Identifiers: ClinVar variation 4757702 (VCV004757702.1).